The following is an entry in ClinVar:

ClinVar aggregate classification (germline): Uncertain significance (1 of 4 stars; one submission).

Submission:

Dasa
Classification: Uncertain significance. Last evaluated: 2024-12-10. Review status: criteria provided, single submitter. Criteria: DASA Assertion Criteria. Collection method: clinical testing. Allele origin: germline.
Comment: NM_000138.5(FBN1):c.5282C>T (p.Thr1761Ile) is a missense variant that results in the substitution of threonine with isoleucine. This variant is absent from population databases. Computational prediction algorithms are consistent with a deleterious effect. The currently available literature and clinical evidence are not sufficient to establish a definitive association between this variant and the reported condition. Therefore, this variant is classified as a variant of uncertain significance.

NM_000138.5(FBN1):c.5282C>T (p.Thr1761Ile)

Gene: FBN1 (fibrillin 1; minus strand). Cytogenetic location: 15q21.1.
Variant type: single nucleotide variant.
Coding change: c.5282C>T on transcript NM_000138.5 (MANE Select); coding-DNA position 5282, C replaced by T.
Protein change: p.Thr1761Ile; replaces threonine 1761 with isoleucine.
Molecular consequence: missense variant.
Genome position (GRCh38, 1-based): chr15:48,460,260, G>A on the plus strand (C>T on the coding strand, the complement: FBN1 is on the minus strand). VCF-style: chr15-48460260-G-A. GRCh37 (hg19) VCF-style: chr15-48752457-G-A.
Other names: c.5282C>T, p.Thr1761Ile (NM_001406716.1); short protein forms T1761I.
Identifiers: ClinVar variation 4883143 (VCV004883143.2).